The following is an entry in ClinVar:

NM_145893.3(RBFOX1):c.47T>A (p.Met16Lys)

Gene: RBFOX1 (RNA binding fox-1 homolog 1; plus strand). Cytogenetic location: 16p13.3.
Variant type: single nucleotide variant.
Coding change: c.47T>A on transcript NM_145893.3 (MANE Plus Clinical); coding-DNA position 47, T replaced by A.
Protein change: p.Met16Lys; replaces methionine 16 with lysine.
Molecular consequence: missense variant. On other transcripts: intron variant (30).
Genome position (GRCh38, 1-based): chr16:7,333,048, T>A. VCF-style: chr16-7333048-T-A. GRCh37 (hg19) VCF-style: chr16-7383049-T-A.
Other names: c.102+28563T>A (NM_001415905.1, NM_001415890.1, NM_001415901.1 and 4 more transcripts); c.47T>A, p.Met16Lys (NM_001415896.1, NM_001415904.1, NM_001415906.1 and 3 more transcripts); c.625-185099T>A (NM_001415887.1, NM_001415888.1); c.28-185099T>A (NM_001364800.2, NM_018723.4, NM_001142333.2 and 2 more transcripts); c.157-185099T>A (NM_001415895.1, NM_001415891.1, NM_001415907.1 and 5 more transcripts); c.136-185099T>A (NM_001415889.1, NM_001415898.1, NM_001415894.1 and 5 more transcripts); short protein forms M16K.
Identifiers: ClinVar variation 3707330 (VCV003707330.2).

ClinVar aggregate classification (germline): Uncertain significance (1 of 4 stars; one submission).

Conditions:
Idiopathic generalized epilepsy. Also called: Generalised epilepsy; EIG. Identifiers: MedGen C0270850, MONDO:0005579, OMIM 600669.

Submission:

Labcorp Genetics (formerly Invitae), Labcorp
Classification: Uncertain significance for Idiopathic generalized epilepsy. Last evaluated: 2024-11-13. Review status: criteria provided, single submitter. Criteria: Invitae Variant Classification Sherloc (09022015). Collection method: clinical testing. Allele origin: germline.
Comment: This sequence change replaces methionine, which is neutral and non-polar, with lysine, which is basic and polar, at codon 16 of the RBFOX1 protein (p.Met16Lys). This variant is not present in population databases (gnomAD no frequency). This variant has not been reported in the literature in individuals affected with RBFOX1-related conditions. An algorithm developed to predict the effect of missense changes on protein structure and function (PolyPhen-2) suggests that this variant is likely to be tolerated. In summary, the available evidence is currently insufficient to determine the role of this variant in disease. Therefore, it has been classified as a Variant of Uncertain Significance.